The following is an entry in ClinVar:

ClinVar aggregate classification (germline): Conflicting classifications of pathogenicity. Review status: criteria provided, conflicting classifications (1 of 4 stars). 2 submissions from 2 submitters: Uncertain significance (1); Likely benign (1). Last evaluated 2023-11-05.

Conditions:
Charcot-Marie-Tooth disease axonal type 2O. Also called: CHARCOT-MARIE-TOOTH NEUROPATHY, AXONAL, TYPE 2O; CHARCOT-MARIE-TOOTH DISEASE, AXONAL, AUTOSOMAL DOMINANT, TYPE 2O; Charcot-Marie-Tooth Neuropathy Type 2O; Charcot-Marie-Tooth disease, axonal, type 20. Identifiers: Orphanet 284232, MedGen C3280220, MONDO:0013644, OMIM 614228.

Allele frequency attached by ClinVar (database versions not stated): gnomAD exomes below 0.00001; TOPMed below 0.00001; gnomAD 0.00001; ExAC 0.00003; ESP Exome Variant Server 0.00008.
gnomAD v4.1: 4 of 1,613,780 alleles (0.00025%); highest among the groups gnomAD compares: Admixed American, 0.0033%; no homozygotes.

Submissions (2):

GeneDx
Classification: Uncertain significance. Last evaluated: 2023-11-05. Review status: criteria provided, single submitter. Criteria: GeneDx Variant Classification Process June 2021. Collection method: clinical testing. Allele origin: germline. Affected: yes.
Comment: In silico analysis supports that this missense variant does not alter protein structure/function; Has not been previously published as pathogenic or benign to our knowledge; This variant is associated with the following publications: (PMID: 25512093, 25609763, 26100331)

Labcorp Genetics (formerly Invitae), Labcorp
Classification: Likely benign for Charcot-Marie-Tooth disease axonal type 2O. Last evaluated: 2023-10-08. Review status: criteria provided, single submitter. Criteria: Invitae Variant Classification Sherloc (09022015). Collection method: clinical testing. Allele origin: germline.

NM_001376.5(DYNC1H1):c.13643C>T (p.Ser4548Leu)

Gene: DYNC1H1 (dynein cytoplasmic 1 heavy chain 1; plus strand). Cytogenetic location: 14q32.31.
Variant type: single nucleotide variant.
Coding change: c.13643C>T on transcript NM_001376.5 (MANE Select); coding-DNA position 13643, C replaced by T.
Protein change: p.Ser4548Leu; replaces serine 4548 with leucine.
Molecular consequence: missense variant.
Genome position (GRCh38, 1-based): chr14:102,049,841, C>T. VCF-style: chr14-102049841-C-T. GRCh37 (hg19) VCF-style: chr14-102516178-C-T.
Other names: short protein forms S4548L.
Identifiers: ClinVar variation 2910870 (VCV002910870.4), dbSNP rs377323091, ClinGen allele CA7354294.
Genomic context (GRCh38, chr14:102,049,841, plus strand): 5'-TGGCCCAGGCCAACAGCTGGTCCCTGGAGGAGCTCTGCCTGGAAGTCAACGTCACCACCT[C>T]ACAGGGCGCCACCCTTGACGCTTGCAGCTTCGGAGTCACGGGTGAGTGGAGTCTCACAGA-3'
Protein context (NP_001367.2, residues 4538-4558): ELCLEVNVTT[Ser4548Leu]QGATLDACSF